The following is an entry in ClinVar:

NM_004320.6(ATP2A1):c.1419G>A (p.Ser473=)

Gene: ATP2A1 (ATPase sarcoplasmic/endoplasmic reticulum Ca2+ transporting 1; plus strand). Cytogenetic location: 16p11.2.
Variant type: single nucleotide variant.
Coding change: c.1419G>A on transcript NM_004320.6 (MANE Select); coding-DNA position 1419, G replaced by A.
Protein change: p.Ser473=; no amino-acid change (serine 473 retained).
Molecular consequence: synonymous variant.
Genome position (GRCh38, 1-based): chr16:28,894,953, G>A. VCF-style: chr16-28894953-G-A. GRCh37 (hg19) VCF-style: chr16-28906274-G-A.
Other names: p.Ser473=; c.1044G>A, p.Ser348= (NM_001286075.2); c.1419G>A, p.Ser473= (NM_173201.5); c.1419G>A (NM_173201.4).
Identifiers: ClinVar variation 464075 (VCV000464075.8), dbSNP rs749463179, ClinGen allele CA7986955.

ClinVar aggregate classification (germline): Uncertain significance. Review status: criteria provided, multiple submitters, no conflicts (2 of 4 stars). 2 submissions from 2 submitters: Uncertain significance (2). Last evaluated 2025-07-21.

Conditions:
Brody myopathy. Also called: BRODY DISEASE. Identifiers: Orphanet 53347, MedGen C1832918, MONDO:0010977, OMIM 601003.

Allele frequency attached by ClinVar (database versions not stated): gnomAD exomes 0.00001 and 0.00002; ExAC 0.00002; gnomAD 0.00002 and 0.00003; TOPMed 0.00002.
gnomAD v4.1: 16 of 1,611,056 alleles (0.00099%); highest among the groups gnomAD compares: Admixed American, 0.005%; no homozygotes.

Submissions (3):

Mayo Clinic Laboratories, Mayo Clinic
Classification: Uncertain significance. Last evaluated: 2025-07-21. Review status: criteria provided, single submitter. Criteria: ACMG Guidelines, 2015. Collection method: clinical testing. Allele origin: germline. Observed: 2 variant alleles.

Labcorp Genetics (formerly Invitae), Labcorp
Classification: Uncertain significance for Brody myopathy. Last evaluated: 2021-08-13. Review status: criteria provided, single submitter. Criteria: Invitae Variant Classification Sherloc (09022015). Collection method: clinical testing. Allele origin: germline.
Comment: This sequence change affects codon 473 of the ATP2A1 mRNA. It is a 'silent' change, meaning that it does not change the encoded amino acid sequence of the ATP2A1 protein. This variant also falls at the last nucleotide of exon 12, which is part of the consensus splice site for this exon. This variant is present in population databases (rs749463179, ExAC 0.003%). This variant has not been reported in the literature in individuals affected with ATP2A1-related conditions. Variants that disrupt the consensus splice site are a relatively common cause of aberrant splicing (PMID: 17576681, 9536098). Algorithms developed to predict the effect of sequence changes on RNA splicing suggest that this variant may disrupt the consensus splice site. In summary, the available evidence is currently insufficient to determine the role of this variant in disease. Therefore, it has been classified as a Variant of Uncertain Significance.

Dr. Peter K. Rogan Lab, Western University
No classification provided (evidence only). Condition: Gastric cancer. Review status: no classification provided. Collection method: in vitro. Allele origin: not applicable. Functional consequence: retained intron. Not counted in ClinVar's aggregate classification.

Literature cited by the submitters: PubMed 17576681 (cited by Labcorp Genetics (formerly Invitae), Labcorp); PubMed 9536098 (cited by Labcorp Genetics (formerly Invitae), Labcorp).